The following is an entry in ClinVar:

NM_014727.3(KMT2B):c.4473C>T (p.Gly1491=)

Gene: KMT2B (lysine methyltransferase 2B; plus strand). Cytogenetic location: 19q13.12.
Variant type: single nucleotide variant.
Coding change: c.4473C>T on transcript NM_014727.3 (MANE Select); coding-DNA position 4473, C replaced by T.
Protein change: p.Gly1491=; no amino-acid change (glycine 1491 retained).
Molecular consequence: synonymous variant.
Genome position (GRCh38, 1-based): chr19:35,727,961, C>T. VCF-style: chr19-35727961-C-T. GRCh37 (hg19) VCF-style: chr19-36218862-C-T.
Identifiers: ClinVar variation 2183309 (VCV002183309.6), dbSNP rs199717619, ClinGen allele CA9385103.

ClinVar aggregate classification (germline): Benign/Likely benign. Review status: criteria provided, multiple submitters, no conflicts (2 of 4 stars). 2 submissions from 2 submitters: Benign (1); Likely benign (1). Last evaluated 2026-09-01.

Allele frequency attached by ClinVar (database versions not stated): gnomAD 0.00001; gnomAD exomes 0.00004; TOPMed 0.00005; ExAC 0.00013; 1000 Genomes Project 0.00020; 1000 Genomes Project 30x 0.00031.
gnomAD v4.1: 22 of 1,578,080 alleles (0.0014%); highest among the groups gnomAD compares: Admixed American, 0.036%; no homozygotes.

Submissions (4):

CeGaT Center for Human Genetics Tuebingen
Classification: Likely benign. Last evaluated: 2026-09-01. Review status: criteria provided, single submitter. Criteria: CeGaT Center For Human Genetics Tuebingen Variant Classification Criteria Version 2. Collection method: clinical testing. Allele origin: germline. Affected: yes. Observed: 1 variant allele.
Comment: KMT2B: BP4, BP7

Labcorp Genetics (formerly Invitae), Labcorp
Classification: Benign. Last evaluated: 2026-01-07. Review status: criteria provided, single submitter. Criteria: Invitae Variant Classification Sherloc (09022015). Collection method: clinical testing. Allele origin: germline.

Dr. Peter K. Rogan Lab, Western University
No classification provided (evidence only). Condition: Melanoma. Review status: no classification provided. Collection method: in vitro. Allele origin: not applicable. Functional consequence: retained intron. Not counted in ClinVar's aggregate classification.

Dr. Peter K. Rogan Lab, Western University
No classification provided (evidence only). Condition: Melanoma. Review status: no classification provided. Collection method: in vitro. Allele origin: not applicable. Functional consequence: retained intron. Not counted in ClinVar's aggregate classification.